The following is an entry in ClinVar:

NM_001330691.3(CEP78):c.566C>T (p.Thr189Ile)

Gene: CEP78 (centrosomal protein 78; plus strand). Cytogenetic location: 9q21.2.
Variant type: single nucleotide variant.
Coding change: c.566C>T on transcript NM_001330691.3 (MANE Select); coding-DNA position 566, C replaced by T.
Protein change: p.Thr189Ile; replaces threonine 189 with isoleucine.
Molecular consequence: missense variant.
Genome position (GRCh38, 1-based): chr9:78,241,762, C>T. VCF-style: chr9-78241762-C-T. GRCh37 (hg19) VCF-style: chr9-80856678-C-T.
Other names: c.566C>T, p.Thr189Ile (NM_001098802.3, NM_001330693.3, NM_001330694.2 and 4 more transcripts); short protein forms T189I.
Identifiers: ClinVar variation 2131046 (VCV002131046.2), dbSNP rs1826243091, ClinGen allele CA374000275.

ClinVar aggregate classification (germline): Uncertain significance (1 of 4 stars; one submission).

Allele frequency attached by ClinVar (database versions not stated): gnomAD exomes below 0.00001; TOPMed below 0.00001.
gnomAD v4.1: 2 of 1,609,082 alleles (0.00012%); highest among the groups gnomAD compares: African/African-American, 0.0013%; no homozygotes.

Submission:

Labcorp Genetics (formerly Invitae), Labcorp
Classification: Uncertain significance. Last evaluated: 2022-04-28. Review status: criteria provided, single submitter. Criteria: Invitae Variant Classification Sherloc (09022015). Collection method: clinical testing. Allele origin: germline.
Comment: This sequence change replaces threonine, which is neutral and polar, with isoleucine, which is neutral and non-polar, at codon 189 of the CEP78 protein (p.Thr189Ile). This variant is not present in population databases (gnomAD no frequency). This variant has not been reported in the literature in individuals affected with CEP78-related conditions. Algorithms developed to predict the effect of missense changes on protein structure and function are either unavailable or do not agree on the potential impact of this missense change (SIFT: "Tolerated"; PolyPhen-2: "Probably Damaging"; Align-GVGD: "Class C0"). In summary, the available evidence is currently insufficient to determine the role of this variant in disease. Therefore, it has been classified as a Variant of Uncertain Significance.